The following is an entry in ClinVar:

NM_152559.3(METTL27):c.513G>A (p.Ser171=)

Gene: METTL27 (methyltransferase like 27; minus strand). Cytogenetic location: 7q11.23.
Variant type: single nucleotide variant.
Coding change: c.513G>A on transcript NM_152559.3 (MANE Select); coding-DNA position 513, G replaced by A.
Protein change: p.Ser171=; no amino-acid change (serine 171 retained).
Molecular consequence: synonymous variant.
Genome position (GRCh38, 1-based): chr7:73,834,968, C>T on the plus strand (G>A on the coding strand, the complement: METTL27 is on the minus strand). VCF-style: chr7-73834968-C-T. GRCh37 (hg19) VCF-style: chr7-73249298-C-T.
Identifiers: ClinVar variation 3388310 (VCV003388310.14).

ClinVar aggregate classification (germline): Likely benign (1 of 4 stars; one submission).

Submission:

CeGaT Center for Human Genetics Tuebingen
Classification: Likely benign. Last evaluated: 2024-10-01. Review status: criteria provided, single submitter. Criteria: CeGaT Center For Human Genetics Tuebingen Variant Classification Criteria Version 2. Collection method: clinical testing. Allele origin: germline. Affected: yes. Observed: 1 variant allele.
Comment: METTL27: BP4, BP7